The following is an entry in ClinVar:

NM_053025.4(MYLK):c.3160A>C (p.Lys1054Gln)

Gene: MYLK (myosin light chain kinase; minus strand). Cytogenetic location: 3q21.1.
Variant type: single nucleotide variant.
Coding change: c.3160A>C on transcript NM_053025.4 (MANE Select); coding-DNA position 3160, A replaced by C.
Protein change: p.Lys1054Gln; replaces lysine 1054 with glutamine.
Molecular consequence: missense variant.
Genome position (GRCh38, 1-based): chr3:123,700,308, T>G on the plus strand (A>C on the coding strand, the complement: MYLK is on the minus strand). VCF-style: chr3-123700308-T-G. GRCh37 (hg19) VCF-style: chr3-123419155-T-G.
Other names: c.2632A>C, p.Lys878Gln (NM_001321309.2); c.2953A>C, p.Lys985Gln (NM_053026.4, NM_053028.4); c.3160A>C, p.Lys1054Gln (NM_053027.4); short protein forms K878Q, K1054Q, K985Q.
Identifiers: ClinVar variation 2553308 (VCV002553308.2), dbSNP rs2061135956, ClinGen allele CA354229937.

ClinVar aggregate classification (germline): Uncertain significance (1 of 4 stars; one submission).

Conditions:
Familial thoracic aortic aneurysm and aortic dissection (TAAD). Also called: Thoracic aortic aneurysms and dissections. Identifiers: Orphanet 91387, MedGen C4707243, MONDO:0019625.

Allele frequency attached by ClinVar (database versions not stated): gnomAD exomes below 0.00001.
gnomAD v4.1: 1 of 1,613,956 alleles (0.000062%); highest among the groups gnomAD compares: Non-Finnish European, 0.000085%; no homozygotes.

Submission:

Ambry Genetics
Classification: Uncertain significance for Familial thoracic aortic aneurysm and aortic dissection. Last evaluated: 2023-12-12. Review status: criteria provided, single submitter. Criteria: Ambry Variant Classification Scheme 2023. Collection method: clinical testing. Allele origin: germline.
Comment: The p.K1054Q variant (also known as c.3160A>C), located in coding exon 15 of the MYLK gene, results from an A to C substitution at nucleotide position 3160. The lysine at codon 1054 is replaced by glutamine, an amino acid with similar properties. This amino acid position is conserved. In addition, this alteration is predicted to be tolerated by in silico analysis. Since supporting evidence is limited at this time, the clinical significance of this alteration remains unclear.